The following is an entry in ClinVar:

ClinVar aggregate classification (germline): Uncertain significance. Review status: criteria provided, multiple submitters, no conflicts (2 of 4 stars). 2 submissions from 2 submitters: Uncertain significance (2). Last evaluated 2025-06-29.

Conditions:
Malignant hyperthermia, susceptibility to, 5 (MHS5). Also called: CACNA1S-Related Malignant Hyperthermia Susceptibility. Identifiers: Orphanet 423, MedGen C1866077, MONDO:0011163, OMIM 601887.

gnomAD v4.1: 3 of 1,614,180 alleles (0.00019%); highest among the groups gnomAD compares: East Asian, 0.0067%; no homozygotes.

Submissions (2):

Color Diagnostics, LLC DBA Color Health
Classification: Uncertain significance for Malignant hyperthermia, susceptibility to, 5. Last evaluated: 2025-06-29. Review status: criteria provided, single submitter. Criteria: ACMG Guidelines, 2015. Collection method: clinical testing. Allele origin: germline.
Comment: This missense variant replaces glycine with glutamic acid at codon 1701 of the CACNA1S protein. Computational prediction suggests that this variant may not impact protein structure and function. To our knowledge, functional studies have not been reported for this variant. This variant has not been reported in individuals affected with CACNA1S-related disorders in the literature. This variant has not been identified in the general population by the Genome Aggregation Database (gnomAD). The available evidence is insufficient to determine the role of this variant in disease conclusively. Therefore, this variant is classified as a Variant of Uncertain Significance.

All of Us Research Program, National Institutes of Health
Classification: Uncertain significance for Malignant hyperthermia, susceptibility to, 5. Last evaluated: 2024-03-05. Review status: criteria provided, single submitter. Criteria: ACMG Guidelines, 2015. Collection method: clinical testing. Allele origin: germline. Inheritance: Autosomal dominant inheritance. Observed: 1 variant allele, 1 heterozygote.
Comment: This study involves interpretation of variants in research participants for the purpose of population health screening. Participant phenotype was not available at the time of variant classification. Additional details can be found in publication PMID: 35346344, PMCID: PMC8962531

NM_000069.3(CACNA1S):c.5102G>A (p.Gly1701Glu)

Gene: CACNA1S (calcium voltage-gated channel subunit alpha1 S; minus strand). Cytogenetic location: 1q32.1.
Variant type: single nucleotide variant.
Coding change: c.5102G>A on transcript NM_000069.3 (MANE Select); coding-DNA position 5102, G replaced by A.
Protein change: p.Gly1701Glu; replaces glycine 1701 with glutamic acid.
Molecular consequence: missense variant.
Genome position (GRCh38, 1-based): chr1:201,041,536, C>T on the plus strand (G>A on the coding strand, the complement: CACNA1S is on the minus strand). VCF-style: chr1-201041536-C-T. GRCh37 (hg19) VCF-style: chr1-201010664-C-T.
Other names: short protein forms G1701E.
Identifiers: ClinVar variation 3386280 (VCV003386280.2).